The following is an entry in ClinVar:

NM_032447.5(FBN3):c.2240A>G (p.Tyr747Cys)

Gene: FBN3 (fibrillin 3; minus strand). Cytogenetic location: 19p13.2.
Variant type: single nucleotide variant.
Coding change: c.2240A>G on transcript NM_032447.5 (MANE Select); coding-DNA position 2240, A replaced by G.
Protein change: p.Tyr747Cys; replaces tyrosine 747 with cysteine.
Molecular consequence: missense variant.
Genome position (GRCh38, 1-based): chr19:8,129,084, T>C on the plus strand (A>G on the coding strand, the complement: FBN3 is on the minus strand). VCF-style: chr19-8129084-T-C. GRCh37 (hg19) VCF-style: chr19-8193968-T-C.
Other names: c.2240A>G, p.Tyr747Cys (NM_001321431.2); short protein forms Y747C.
Identifiers: ClinVar variation 4781546 (VCV004781546.1).

ClinVar aggregate classification (germline): Uncertain significance (1 of 4 stars; one submission).

gnomAD v4.1: 3 of 1,613,076 alleles (0.00019%); highest among the groups gnomAD compares: East Asian, 0.0022%; no homozygotes.

Submission:

Labcorp Genetics (formerly Invitae), Labcorp
Classification: Uncertain significance. Last evaluated: 2025-12-20. Review status: criteria provided, single submitter. Criteria: Invitae Variant Classification Sherloc (09022015). Collection method: clinical testing. Allele origin: germline.
Comment: This sequence change replaces tyrosine, which is neutral and polar, with cysteine, which is neutral and slightly polar, at codon 747 of the FBN3 protein (p.Tyr747Cys). This variant is present in population databases (rs765318439, gnomAD 0.006%). This variant has not been reported in the literature in individuals affected with FBN3-related conditions. Invitae Evidence Modeling of protein sequence and biophysical properties (such as structural, functional, and spatial information, amino acid conservation, physicochemical variation, residue mobility, and thermodynamic stability) indicates that this missense variant is not expected to disrupt FBN3 protein function with a negative predictive value of 80%. In summary, the available evidence is currently insufficient to determine the role of this variant in disease. Therefore, it has been classified as a Variant of Uncertain Significance.